The following is an entry in ClinVar:

NM_001330588.2(TPP2):c.124G>C (p.Val42Leu)

Gene: TPP2 (tripeptidyl peptidase 2; plus strand). Cytogenetic location: 13q33.1.
Variant type: single nucleotide variant.
Coding change: c.124G>C on transcript NM_001330588.2 (MANE Select); coding-DNA position 124, G replaced by C.
Protein change: p.Val42Leu; replaces valine 42 with leucine.
Molecular consequence: missense variant. On other transcripts: non-coding transcript variant (1).
Genome position (GRCh38, 1-based): chr13:102,597,162, G>C. VCF-style: chr13-102597162-G-C. GRCh37 (hg19) VCF-style: chr13-103249512-G-C.
Other names: c.124G>C, p.Val42Leu (LRG_1341t1, NM_001367947.1, NM_003291.4); short protein forms V42L.
Identifiers: ClinVar variation 567044 (VCV000567044.6), dbSNP rs1566309270, ClinGen allele CA388676687.

ClinVar aggregate classification (germline): Uncertain significance (1 of 4 stars; one submission).

Conditions:
Evans syndrome, immunodeficiency, and premature immunosenescence associated with tripeptidyl-peptidase II deficiency. Identifiers: MedGen CN231723. Disease mechanism: loss of function.

Submission:

Labcorp Genetics (formerly Invitae), Labcorp
Classification: Uncertain significance for Evans syndrome, immunodeficiency, and premature immunosenescence associated with tripeptidyl-peptidase II deficiency. Last evaluated: 2018-03-16. Review status: criteria provided, single submitter. Criteria: Invitae Variant Classification Sherloc (09022015). Collection method: clinical testing. Allele origin: germline.
Comment: This variant has not been reported in the literature in individuals with TPP2-related disease. This sequence change replaces valine with leucine at codon 42 of the TPP2 protein (p.Val42Leu). The valine residue is moderately conserved and there is a small physicochemical difference between valine and leucine. This variant is not present in population databases (ExAC no frequency). Algorithms developed to predict the effect of missense changes on protein structure and function (SIFT, PolyPhen-2, Align-GVGD) all suggest that this variant is likely to be tolerated, but these predictions have not been confirmed by published functional studies and their clinical significance is uncertain. In summary, the available evidence is currently insufficient to determine the role of this variant in disease. Therefore, it has been classified as a Variant of Uncertain Significance.